The following is an entry in ClinVar:

ClinVar aggregate classification (germline): Uncertain significance (1 of 4 stars; one submission).

Conditions:
Neuropathy, hereditary sensory and autonomic, type 2A (HSAN2A). Also called: ACROOSTEOLYSIS, GIACCAI TYPE; ACROOSTEOLYSIS, NEUROGENIC; WNK1-Related HSAN2 (HSAN2A); MORVAN DISEASE; NEUROPATHY, CONGENITAL SENSORY; NEUROPATHY, HEREDITARY SENSORY RADICULAR, AUTOSOMAL RECESSIVE. Identifiers: Orphanet 970, MedGen C2752089, MONDO:0024309, OMIM 201300.
Generalized epilepsy with febrile seizures plus, type 7 (GEFSP7). Also called: GEFS+, TYPE 7. Identifiers: Orphanet 36387, MedGen C2751778, MONDO:0013470, OMIM 613863.

Allele frequency attached by ClinVar (database versions not stated): gnomAD exomes below 0.00001.
gnomAD v4.1: 2 of 1,612,560 alleles (0.00012%); highest among the groups gnomAD compares: Middle Eastern, 0.017%; no homozygotes.

Submission:

Labcorp Genetics (formerly Invitae), Labcorp
Classification: Uncertain significance for Neuropathy, hereditary sensory and autonomic, type 2A; Generalized epilepsy with febrile seizures plus, type 7. Last evaluated: 2023-07-25. Review status: criteria provided, single submitter. Criteria: Invitae Variant Classification Sherloc (09022015). Collection method: clinical testing. Allele origin: germline.
Comment: In summary, the available evidence is currently insufficient to determine the role of this variant in disease. Therefore, it has been classified as a Variant of Uncertain Significance. Advanced modeling of protein sequence and biophysical properties (such as structural, functional, and spatial information, amino acid conservation, physicochemical variation, residue mobility, and thermodynamic stability) performed at Invitae indicates that this missense variant is not expected to disrupt SCN9A protein function. This variant has not been reported in the literature in individuals affected with SCN9A-related conditions. This variant is not present in population databases (gnomAD no frequency). This sequence change replaces proline, which is neutral and non-polar, with serine, which is neutral and polar, at codon 1082 of the SCN9A protein (p.Pro1082Ser).

NM_001365536.1(SCN9A):c.3277C>T (p.Pro1093Ser)

Genes: SCN9A (sodium voltage-gated channel alpha subunit 9; minus strand), SCN1A-AS1 (SCN1A and SCN9A antisense RNA 1; plus strand). Cytogenetic location: 2q24.3.
Variant type: single nucleotide variant.
Coding change: c.3277C>T on transcript NM_001365536.1 (MANE Select); coding-DNA position 3277, C replaced by T.
Protein change: p.Pro1093Ser; replaces proline 1093 with serine.
Molecular consequence: missense variant.
Genome position (GRCh38, 1-based): chr2:166,272,473, G>A on the plus strand (C>T on the coding strand, the complement: SCN9A is on the minus strand). VCF-style: chr2-166272473-G-A. GRCh37 (hg19) VCF-style: chr2-167128983-G-A.
Other names: c.3244C>T, p.Pro1082Ser (NM_002977.4); short protein forms P1093S, P1082S.
Identifiers: ClinVar variation 2933112 (VCV002933112.3), dbSNP rs1459649894, ClinGen allele CA349072734.